The following is an entry in ClinVar:

NM_001378454.1(ALMS1):c.1761G>C (p.Gln587His)

Gene: ALMS1 (ALMS1 centrosome and basal body associated protein; plus strand). Cytogenetic location: 2p13.1.
Variant type: single nucleotide variant.
Coding change: c.1761G>C on transcript NM_001378454.1 (MANE Select); coding-DNA position 1761, G replaced by C.
Protein change: p.Gln587His; replaces glutamine 587 with histidine.
Molecular consequence: missense variant.
Genome position (GRCh38, 1-based): chr2:73,448,288, G>C. VCF-style: chr2-73448288-G-C. GRCh37 (hg19) VCF-style: chr2-73675415-G-C.
Other names: c.1764G>C, p.Gln588His (NM_015120.4); short protein forms Q588H, Q587H.
Identifiers: ClinVar variation 529399 (VCV000529399.8), dbSNP rs1553403313, ClinGen allele CA347265326.

ClinVar aggregate classification (germline): Uncertain significance (1 of 4 stars; one submission).

Conditions:
Alstrom syndrome (ALMS). Identifiers: Orphanet 64, MedGen C0268425, MONDO:0008763, OMIM 203800.

Submission:

Labcorp Genetics (formerly Invitae), Labcorp
Classification: Uncertain significance for Alstrom syndrome. Last evaluated: 2022-07-26. Review status: criteria provided, single submitter. Criteria: Invitae Variant Classification Sherloc (09022015). Collection method: clinical testing. Allele origin: germline.
Comment: ClinVar contains an entry for this variant (Variation ID: 529399). In summary, the available evidence is currently insufficient to determine the role of this variant in disease. Therefore, it has been classified as a Variant of Uncertain Significance. This variant has not been reported in the literature in individuals affected with ALMS1-related conditions. This variant is not present in population databases (gnomAD no frequency). This sequence change replaces glutamine, which is neutral and polar, with histidine, which is basic and polar, at codon 588 of the ALMS1 protein (p.Gln588His).